The following is an entry in ClinVar:

NM_000441.2(SLC26A4):c.1645dup (p.Arg549fs)

Gene: SLC26A4 (solute carrier family 26 member 4; plus strand). Cytogenetic location: 7q22.3.
Variant type: Duplication.
Coding change: c.1645dup on transcript NM_000441.2 (MANE Select); coding-DNA position 1645, one base duplicated (A; older notation c.1645dupA).
Protein change: p.Arg549fs; shifts the reading frame from arginine 549.
Molecular consequence: frameshift variant.
Genome position (GRCh38, 1-based): chr7:107,700,113, A duplicated. VCF-style (leftmost placement, unchanged base first): chr7-107700112-T-TA. GRCh37 (hg19) VCF-style: chr7-107340557-T-TA.
Other names: short protein forms R549fs.
Identifiers: ClinVar variation 5007133 (VCV005007133.2).

ClinVar aggregate classification (germline): Pathogenic (1 of 4 stars; one submission).

Conditions:
Autosomal recessive nonsyndromic hearing loss 4 (DFNB4). Also called: Deafness, autosomal recessive 4; Deafness, autosomal recessive 4, with enlarged vestibular aqueduct; NEUROSENSORY NONSYNDROMIC RECESSIVE DEAFNESS 4; FOXI1-Related Pendred Syndrome; KCNJ10-Related Pendred Syndrome; Enlarged vestibular aqueduct, digenic. Identifiers: Orphanet 90636, MedGen C3538946, MONDO:0010933, OMIM 600791.
Pendred syndrome (PDS). Also called: GOITER-DEAFNESS SYNDROME; HYPOTHYROIDISM, CONGENITAL, DUE TO DYSHORMONOGENESIS, 2B; THYROID DYSHORMONOGENESIS 2B; THYROID HORMONOGENESIS, GENETIC DEFECT IN, 2B; Pendred Syndrome (PDS); DEAFNESS WITH GOITER. Identifiers: Orphanet 705, MedGen C0271829, MONDO:0010134, OMIM 274600.

Submission:

Juno Genomics, Hangzhou Juno Genomics, Inc
Classification: Pathogenic for Autosomal recessive nonsyndromic hearing loss 4; Pendred syndrome. Review status: criteria provided, single submitter. Criteria: ACMG Guidelines, 2015. Collection method: clinical testing. Allele origin: germline.
Comment: Absent from controls (or at extremely low frequency if recessive) in Genome Aggregation Database.;Null variant in a gene where loss of function (LOF) is a known mechanism of disease.;For recessive disorders, detected in trans with a pathogenic variant.